The following is an entry in ClinVar:

NM_004972.4(JAK2):c.55A>G (p.Ile19Val)

Genes: INSL6 (insulin like 6; minus strand), JAK2 (Janus kinase 2; plus strand). Cytogenetic location: 9p24.1.
Variant type: single nucleotide variant.
Coding change: c.55A>G on transcript NM_004972.4 (MANE Select); coding-DNA position 55, A replaced by G.
Protein change: p.Ile19Val; replaces isoleucine 19 with valine.
Molecular consequence: missense variant. On other transcripts: 5 prime UTR variant (2), non-coding transcript variant (2).
Genome position (GRCh38, 1-based): chr9:5,022,042, A>G. VCF-style: chr9-5022042-A-G. GRCh37 (hg19) VCF-style: chr9-5022042-A-G.
Other names: c.55A>G, p.Ile19Val (NM_001322194.2, NM_001322195.2, NM_001322196.2); c.-1066A>G (NM_001322198.2, NM_001322199.2); short protein forms I19V.
Identifiers: ClinVar variation 2900779 (VCV002900779.4), dbSNP rs150159583, ClinGen allele CA4971475.
Genomic context (GRCh38, chr9:5,022,042, plus strand): 5'-CTCTGCATGGGAATGGCCTGCCTTACGATGACAGAAATGGAGGGAACATCCACCTCTTCT[A>G]TATATCAGAATGGTGATATTTCTGGAAATGCCAATTCTATGAAGCAAATAGATCCAGTTC-3'
Protein context (NP_004963.1, residues 9-29): TEMEGTSTSS[Ile19Val]YQNGDISGNA

ClinVar aggregate classification (germline): Conflicting classifications of pathogenicity. Review status: criteria provided, conflicting classifications (1 of 4 stars). 2 submissions from 2 submitters: Uncertain significance (1); Likely benign (1). Last evaluated 2025-12-29.

Conditions:
Inborn genetic diseases. Identifiers: MedGen C0950123, MeSH D030342.

Allele frequency attached by ClinVar (database versions not stated): gnomAD exomes 0.00002; gnomAD 0.00005; 1000 Genomes Project 30x 0.00016; 1000 Genomes Project 0.00020; ExAC 0.00002; ESP Exome Variant Server 0.00008; TOPMed 0.00004.
gnomAD v4.1: 34 of 1,614,192 alleles (0.0021%); highest among the groups gnomAD compares: Admixed American, 0.028%; 1 homozygote.

Submissions (2):

Labcorp Genetics (formerly Invitae), Labcorp
Classification: Uncertain significance. Last evaluated: 2025-12-29. Review status: criteria provided, single submitter. Criteria: Invitae Variant Classification Sherloc (09022015). Collection method: clinical testing. Allele origin: germline.
Comment: This sequence change replaces isoleucine, which is neutral and non-polar, with valine, which is neutral and non-polar, at codon 19 of the JAK2 protein (p.Ile19Val). This variant is present in population databases (rs150159583, gnomAD 0.03%). This variant has not been reported in the literature in individuals affected with JAK2-related conditions. ClinVar contains an entry for this variant (Variation ID: 2900779). An algorithm developed to predict the effect of missense changes on protein structure and function outputs the following: PolyPhen-2: "Benign". The valine amino acid residue is found in multiple mammalian species, which suggests that this missense change does not adversely affect protein function. In summary, the available evidence is currently insufficient to determine the role of this variant in disease. Therefore, it has been classified as a Variant of Uncertain Significance.

Ambry Genetics
Classification: Likely benign for Inborn genetic diseases. Last evaluated: 2024-09-26. Review status: criteria provided, single submitter. Criteria: Ambry Variant Classification Scheme 2023. Collection method: clinical testing. Allele origin: germline.